The following is an entry in ClinVar:

ClinVar aggregate classification (germline): Uncertain significance (1 of 4 stars; one submission).

Submission:

Ambry Genetics
Classification: Uncertain significance. Last evaluated: 2023-12-24. Review status: criteria provided, single submitter. Criteria: Ambry Variant Classification Scheme 2023. Collection method: clinical testing. Allele origin: germline.
Comment: The p.D877N variant (also known as c.2629G>A), located in coding exon 24 of the PRKDC gene, results from a G to A substitution at nucleotide position 2629. The aspartic acid at codon 877 is replaced by asparagine, an amino acid with highly similar properties. This amino acid position is conserved. In addition, this alteration is predicted to be tolerated by in silico analysis. Since supporting evidence is limited at this time, the clinical significance of this alteration remains unclear.

NM_006904.7(PRKDC):c.2629G>A (p.Asp877Asn)

Gene: PRKDC (protein kinase, DNA-activated, catalytic subunit; minus strand). Cytogenetic location: 8q11.21.
Variant type: single nucleotide variant.
Coding change: c.2629G>A on transcript NM_006904.7 (MANE Select); coding-DNA position 2629, G replaced by A.
Protein change: p.Asp877Asn; replaces aspartic acid 877 with asparagine.
Molecular consequence: missense variant.
Genome position (GRCh38, 1-based): chr8:47,914,053, C>T on the plus strand (G>A on the coding strand, the complement: PRKDC is on the minus strand). VCF-style: chr8-47914053-C-T. GRCh37 (hg19) VCF-style: chr8-48826613-C-T.
Other names: c.2629G>A, p.Asp877Asn (NM_001081640.2); short protein forms D877N.
Identifiers: ClinVar variation 3225805 (VCV003225805.1), dbSNP rs200560953, ClinGen allele CA371159623.
Genomic context (GRCh38, chr8:47,914,053, plus strand): 5'-GCACTGCAAAGCTCAGCCGCTTCTCTCTGTCCCAGGCCACATAGCTCTTCATCATCTCAT[C>T]TGAGGACGTGACTGTTAGAAAAGATTTAAGAAGAATGAAACACTTTTTTTCTTTTTATTA-3'
Protein context (NP_008835.5, residues 867-887): NKNLLTVTSS[Asp877Asn]EMMKSYVAWD